The following is an entry in ClinVar:

ClinVar aggregate classification (germline): Uncertain significance (1 of 4 stars; one submission).

Allele frequency attached by ClinVar (database versions not stated): gnomAD exomes below 0.00001; gnomAD 0.00001; TOPMed 0.00001.
gnomAD v4.1: 4 of 1,200,442 alleles (0.00033%); highest among the groups gnomAD compares: Non-Finnish European, 0.00034%; no homozygotes.

Submission:

Labcorp Genetics (formerly Invitae), Labcorp
Classification: Uncertain significance. Last evaluated: 2025-09-21. Review status: criteria provided, single submitter. Criteria: Invitae Variant Classification Sherloc (09022015). Collection method: clinical testing. Allele origin: germline.
Comment: This sequence change replaces threonine, which is neutral and polar, with asparagine, which is neutral and polar, at codon 1205 of the POLA1 protein (p.Thr1205Asn). This variant is present in population databases (no rsID available, gnomAD 0.001%). This variant has not been reported in the literature in individuals affected with POLA1-related conditions. ClinVar contains an entry for this variant (Variation ID: 2155812). Invitae Evidence Modeling of protein sequence and biophysical properties (such as structural, functional, and spatial information, amino acid conservation, physicochemical variation, residue mobility, and thermodynamic stability) indicates that this missense variant is not expected to disrupt POLA1 protein function with a negative predictive value of 80%. In summary, the available evidence is currently insufficient to determine the role of this variant in disease. Therefore, it has been classified as a Variant of Uncertain Significance.

NM_001330360.2(POLA1):c.3632C>A (p.Thr1211Asn)

Gene: POLA1 (DNA polymerase alpha 1, catalytic subunit; plus strand). Cytogenetic location: Xp22.11.
Variant type: single nucleotide variant.
Coding change: c.3632C>A on transcript NM_001330360.2 (MANE Select); coding-DNA position 3632, C replaced by A.
Protein change: p.Thr1211Asn; replaces threonine 1211 with asparagine.
Molecular consequence: missense variant. On other transcripts: non-coding transcript variant (2).
Genome position (GRCh38, 1-based): chrX:24,826,497, C>A. VCF-style: chrX-24826497-C-A. GRCh37 (hg19) VCF-style: chrX-24844614-C-A.
Other names: c.3557C>A, p.Thr1186Asn (NM_001378303.1); c.3614C>A, p.Thr1205Asn (NM_016937.4); short protein forms T1186N, T1205N, T1211N.
Identifiers: ClinVar variation 2155812 (VCV002155812.4), dbSNP rs1466646712, ClinGen allele CA412528852.
Genomic context (GRCh38, chrX:24,826,497, plus strand): 5'-ACCTCACTGCAAGTCAGAGGGCCTATGCGCCTGAGCAGCTGCAGAAACAGGATAATCTAA[C>A]CATTGACACCCAGTACTACCTGGCCCAGCAGATCCACCCAGTCGTGGCTCGGATCTGTGA-3'
Protein context (NP_001317289.1, residues 1201-1221): PEQLQKQDNL[Thr1211Asn]IDTQYYLAQQ